The following is an entry in ClinVar:

NM_001378609.3(OTOGL):c.4082-2A>G

Gene: OTOGL (otogelin like; plus strand). Cytogenetic location: 12q21.31.
Variant type: single nucleotide variant.
Coding change: c.4082-2A>G on transcript NM_001378609.3 (MANE Select); the canonical splice acceptor site of the intron before coding-DNA position 4082, A replaced by G.
Molecular consequence: splice acceptor variant.
Genome position (GRCh38, 1-based): chr12:80,323,721, A>G. VCF-style: chr12-80323721-A-G. GRCh37 (hg19) VCF-style: chr12-80717501-A-G.
Other names: c.3947-2A>G (NM_001368062.3); c.4082-2A>G (NM_001378610.3, NM_173591.7).
Identifiers: ClinVar variation 5005169 (VCV005005169.2).

ClinVar aggregate classification (germline): Likely pathogenic (1 of 4 stars; one submission).

Conditions:
Autosomal recessive nonsyndromic hearing loss 84B. Also called: Deafness, autosomal recessive 84b. Identifiers: Orphanet 90636, MedGen C3554159, MONDO:0013984, OMIM 614944.

Submission:

Juno Genomics, Hangzhou Juno Genomics, Inc
Classification: Likely pathogenic for Autosomal recessive nonsyndromic hearing loss 84B. Review status: criteria provided, single submitter. Criteria: ACMG Guidelines, 2015. Collection method: clinical testing. Allele origin: germline.
Comment: Null variant in a gene where loss of function (LOF) is a known mechanism of disease.;Absent from controls (or at extremely low frequency if recessive) in Genome Aggregation Database.